The following is an entry in ClinVar:

ClinVar aggregate classification (germline): Uncertain significance (1 of 4 stars; one submission).

Conditions:
Hereditary cancer-predisposing syndrome. Also called: Hereditary Cancer Syndrome; Neoplastic Syndromes, Hereditary; Hereditary neoplastic syndrome; Tumor predisposition. Identifiers: Orphanet 140162, MedGen C0027672, MeSH D009386, MONDO:0015356.

Submission:

Ambry Genetics
Classification: Uncertain significance for Hereditary cancer-predisposing syndrome. Last evaluated: 2025-11-03. Review status: criteria provided, single submitter. Criteria: Ambry Variant Classification Scheme 2023. Collection method: clinical testing. Allele origin: germline.
Comment: The p.A2118V variant (also known as c.6353C>T), located in coding exon 15 of the APC gene, results from a C to T substitution at nucleotide position 6353. The alanine at codon 2118 is replaced by valine, an amino acid with similar properties. This amino acid position is highly conserved in available vertebrate species. In addition, in silico predictors for this gene do not accurately predict pathogenicity. Missense variants in APC are not a common cause of disease (Spier I et al. Genet Med. 2024 Feb;26(2):100992). Based on the available evidence, the clinical significance of this variant remains unclear.

NM_000038.6(APC):c.6353C>T (p.Ala2118Val)

Gene: APC (APC regulator of Wnt signaling pathway; plus strand). Cytogenetic location: 5q22.2.
Variant type: single nucleotide variant.
Coding change: c.6353C>T on transcript NM_000038.6 (MANE Select); coding-DNA position 6353, C replaced by T.
Protein change: p.Ala2118Val; replaces alanine 2118 with valine.
Molecular consequence: missense variant.
Genome position (GRCh38, 1-based): chr5:112,841,947, C>T. VCF-style: chr5-112841947-C-T. GRCh37 (hg19) VCF-style: chr5-112177644-C-T.
Other names: c.6353C>T, p.Ala2118Val (NM_001127510.3, NM_001354895.2); c.6299C>T, p.Ala2100Val (NM_001127511.3); c.6407C>T, p.Ala2136Val (NM_001354896.2); c.6383C>T, p.Ala2128Val (NM_001354897.2); c.6278C>T, p.Ala2093Val (NM_001354898.2); c.6269C>T, p.Ala2090Val (NM_001354899.2); c.6230C>T, p.Ala2077Val (NM_001354900.2); c.6176C>T, p.Ala2059Val (NM_001354901.2); and 5 more; short protein forms A2100V, A2118V, A1835V, A1958V, A2090V, A2017V, A2077V, A2093V.
Identifiers: ClinVar variation 428131 (VCV000428131.6), dbSNP rs1114167574, ClinGen allele CA16035248.
Genomic context (GRCh38, chr5:112,841,947, plus strand): 5'-ATTTTGATTGGAAAGCTATTCAGGAAGGTGCAAATTCCATAGTAAGTAGTTTACATCAAG[C>T]TGCTGCTGCTGCATGTTTATCTAGACAAGCTTCGTCTGATTCAGATTCCATCCTTTCCCT-3'
Protein context (NP_000029.2, residues 2108-2128): ANSIVSSLHQ[Ala2118Val]AAAACLSRQA